The following is an entry in ClinVar:

NM_198578.4(LRRK2):c.1222C>G (p.His408Asp)

Gene: LRRK2 (leucine rich repeat kinase 2; plus strand). Cytogenetic location: 12q12.
Variant type: single nucleotide variant.
Coding change: c.1222C>G on transcript NM_198578.4 (MANE Select); coding-DNA position 1222, C replaced by G.
Protein change: p.His408Asp; replaces histidine 408 with aspartic acid.
Molecular consequence: missense variant.
Genome position (GRCh38, 1-based): chr12:40,252,950, C>G. VCF-style: chr12-40252950-C-G. GRCh37 (hg19) VCF-style: chr12-40646752-C-G.
Other names: short protein forms H408D.
Identifiers: ClinVar variation 1753404 (VCV001753404.2), dbSNP rs2136485747, ClinGen allele CA384409352.

ClinVar aggregate classification (germline): Uncertain significance (1 of 4 stars; one submission).

Conditions:
Inborn genetic diseases. Identifiers: MedGen C0950123, MeSH D030342.

Submission:

Ambry Genetics
Classification: Uncertain significance for Inborn genetic diseases. Last evaluated: 2022-10-05. Review status: criteria provided, single submitter. Criteria: Ambry Variant Classification Scheme 2023. Collection method: clinical testing. Allele origin: germline.
Comment: The p.H408D variant (also known as c.1222C>G), located in coding exon 11 of the LRRK2 gene, results from a C to G substitution at nucleotide position 1222. The histidine at codon 408 is replaced by aspartic acid, an amino acid with similar properties. This amino acid position is conserved. In addition, the in silico prediction for this alteration is inconclusive. Since supporting evidence is limited at this time, the clinical significance of this alteration remains unclear.